The following is an entry in ClinVar:

NM_001042492.3(NF1):c.2975T>C (p.Met992Thr)

Gene: NF1 (neurofibromin 1; plus strand). Cytogenetic location: 17q11.2.
Variant type: single nucleotide variant.
Coding change: c.2975T>C on transcript NM_001042492.3 (MANE Select); coding-DNA position 2975, T replaced by C.
Protein change: p.Met992Thr; replaces methionine 992 with threonine.
Molecular consequence: missense variant.
Genome position (GRCh38, 1-based): chr17:31,229,959, T>C. VCF-style: chr17-31229959-T-C. GRCh37 (hg19) VCF-style: chr17-29556977-T-C.
Other names: c.2975T>C, p.Met992Thr (NM_000267.4); short protein forms M992T.
Identifiers: ClinVar variation 822403 (VCV000822403.4), dbSNP rs1567849596, ClinGen allele CA398986402.

ClinVar aggregate classification (germline): Uncertain significance (1 of 4 stars; one submission).

Conditions:
Cardiovascular phenotype. Identifiers: MedGen CN230736.
Hereditary cancer-predisposing syndrome. Also called: Tumor predisposition; Hereditary Cancer Syndrome; Neoplastic Syndromes, Hereditary; Hereditary neoplastic syndrome. Identifiers: Orphanet 140162, MedGen C0027672, MeSH D009386, MONDO:0015356.

Submission:

Ambry Genetics
Classification: Uncertain significance for Cardiovascular phenotype; Hereditary cancer-predisposing syndrome. Last evaluated: 2023-09-29. Review status: criteria provided, single submitter. Criteria: Ambry Variant Classification Scheme 2023. Collection method: clinical testing. Allele origin: germline.
Comment: The p.M992T variant (also known as c.2975T>C), located in coding exon 22 of the NF1 gene, results from a T to C substitution at nucleotide position 2975. The methionine at codon 992 is replaced by threonine, an amino acid with similar properties. This amino acid position is highly conserved in available vertebrate species. In addition, the in silico prediction for this alteration is inconclusive. Since supporting evidence is limited at this time, the clinical significance of this alteration remains unclear.